The following is an entry in ClinVar:

ClinVar aggregate classification (germline): Uncertain significance (1 of 4 stars; one submission).

Conditions:
Autosomal recessive mendelian susceptibility to mycobacterial diseases due to complete RORgamma receptor deficiency. Also called: Immunodeficiency 42. Identifiers: Orphanet 477857, MedGen C5567647, MONDO:0014710, OMIM 616622.

Allele frequency attached by ClinVar (database versions not stated): gnomAD exomes 0.00002 and 0.00003; TOPMed 0.00002; ExAC 0.00004; ESP Exome Variant Server 0.00015.
gnomAD v4.1: 52 of 1,565,084 alleles (0.0033%); highest among the groups gnomAD compares: Non-Finnish European, 0.0035%; no homozygotes.

Submission:

Labcorp Genetics (formerly Invitae), Labcorp
Classification: Uncertain significance for Autosomal recessive mendelian susceptibility to mycobacterial diseases due to complete RORgamma receptor deficiency. Last evaluated: 2025-07-14. Review status: criteria provided, single submitter. Criteria: Invitae Variant Classification Sherloc (09022015). Collection method: clinical testing. Allele origin: germline.
Comment: This sequence change replaces alanine, which is neutral and non-polar, with threonine, which is neutral and polar, at codon 63 of the RORC protein (p.Ala63Thr). This variant is present in population databases (rs201373806, gnomAD 0.007%). This variant has not been reported in the literature in individuals affected with RORC-related conditions. ClinVar contains an entry for this variant (Variation ID: 935756). An algorithm developed to predict the effect of missense changes on protein structure and function (PolyPhen-2) suggests that this variant is likely to be tolerated. In summary, the available evidence is currently insufficient to determine the role of this variant in disease. Therefore, it has been classified as a Variant of Uncertain Significance.

NM_005060.4(RORC):c.187G>A (p.Ala63Thr)

Gene: RORC (RAR related orphan receptor C; minus strand). Cytogenetic location: 1q21.3.
Variant type: single nucleotide variant.
Coding change: c.187G>A on transcript NM_005060.4 (MANE Select); coding-DNA position 187, G replaced by A.
Protein change: p.Ala63Thr; replaces alanine 63 with threonine.
Molecular consequence: missense variant.
Genome position (GRCh38, 1-based): chr1:151,816,775, C>T on the plus strand (G>A on the coding strand, the complement: RORC is on the minus strand). VCF-style: chr1-151816775-C-T. GRCh37 (hg19) VCF-style: chr1-151789251-C-T.
Other names: c.124G>A, p.Ala42Thr (NM_001001523.2); short protein forms A42T, A63T.
Identifiers: ClinVar variation 935756 (VCV000935756.8), dbSNP rs201373806, ClinGen allele CA1095967.